The following is an entry in ClinVar:

ClinVar aggregate classification (germline): Uncertain significance. Review status: criteria provided, multiple submitters, no conflicts (2 of 4 stars). 3 submissions from 3 submitters: Uncertain significance (3). Last evaluated 2025-11-10.

Conditions:
Hereditary cancer-predisposing syndrome. Also called: Tumor predisposition; Hereditary neoplastic syndrome; Neoplastic Syndromes, Hereditary; Hereditary Cancer Syndrome. Identifiers: Orphanet 140162, MedGen C0027672, MeSH D009386, MONDO:0015356.
Hereditary nonpolyposis colorectal neoplasms. Identifiers: MedGen C0009405, MeSH D003123.
Lynch syndrome. Identifiers: Orphanet 144, MedGen C4552100, MONDO:0005835. Disease mechanism: loss of function.

Submissions (3):

Ambry Genetics
Classification: Uncertain significance for Hereditary cancer-predisposing syndrome. Last evaluated: 2025-11-10. Review status: criteria provided, single submitter. Criteria: Ambry Variant Classification Scheme 2023. Collection method: clinical testing. Allele origin: germline.
Comment: The p.G141D variant (also known as c.422G>A), located in coding exon 2 of the MSH6 gene, results from a G to A substitution at nucleotide position 422. The glycine at codon 141 is replaced by aspartic acid, an amino acid with similar properties. This amino acid position is conserved. In addition, this alteration is predicted to be deleterious by in silico analysis. Since supporting evidence is limited at this time, the clinical significance of this alteration remains unclear.

All of Us Research Program, National Institutes of Health
Classification: Uncertain significance for Lynch syndrome. Last evaluated: 2024-08-30. Review status: criteria provided, single submitter. Criteria: ACMG Guidelines, 2015. Collection method: clinical testing. Allele origin: germline. Inheritance: Autosomal dominant inheritance. Observed: 2 variant alleles, 2 heterozygotes.
Comment: This missense variant replaces glycine with aspartic acid at codon 141 of the MSH6 protein. Computational prediction suggests that this variant may have deleterious impact on protein structure and function (internally defined REVEL score threshold >= 0.7, PMID: 27666373). To our knowledge, functional studies have not been reported for this variant. This variant has not been reported in individuals affected with MSH6-related disorders in the literature. This variant has not been identified in the general population by the Genome Aggregation Database (gnomAD). The available evidence is insufficient to determine the role of this variant in disease conclusively. Therefore, this variant is classified as a Variant of Uncertain Significance.

This study involves interpretation of variants in research participants for the purpose of population health screening. Participant phenotype was not available at the time of variant classification. Additional details can be found in publication PMID: 35346344, PMCID: PMC8962531

Labcorp Genetics (formerly Invitae), Labcorp
Classification: Uncertain significance for Hereditary nonpolyposis colorectal neoplasms. Last evaluated: 2022-08-23. Review status: criteria provided, single submitter. Criteria: Invitae Variant Classification Sherloc (09022015). Collection method: clinical testing. Allele origin: germline.
Comment: In summary, the available evidence is currently insufficient to determine the role of this variant in disease. Therefore, it has been classified as a Variant of Uncertain Significance. Advanced modeling of protein sequence and biophysical properties (such as structural, functional, and spatial information, amino acid conservation, physicochemical variation, residue mobility, and thermodynamic stability) performed at Invitae indicates that this missense variant is expected to disrupt MSH6 protein function. ClinVar contains an entry for this variant (Variation ID: 1491786). This sequence change replaces glycine, which is neutral and non-polar, with aspartic acid, which is acidic and polar, at codon 141 of the MSH6 protein (p.Gly141Asp). This variant is not present in population databases (gnomAD no frequency). This variant has not been reported in the literature in individuals affected with MSH6-related conditions.

NM_000179.3(MSH6):c.422G>A (p.Gly141Asp)

Gene: MSH6 (mutS homolog 6; plus strand). Cytogenetic location: 2p16.3.
Variant type: single nucleotide variant.
Coding change: c.422G>A on transcript NM_000179.3 (MANE Select); coding-DNA position 422, G replaced by A.
Protein change: p.Gly141Asp; replaces glycine 141 with aspartic acid.
Molecular consequence: missense variant. On other transcripts: 5 prime UTR variant (2), intron variant (1).
Genome position (GRCh38, 1-based): chr2:47,791,088, G>A. VCF-style: chr2-47791088-G-A. GRCh37 (hg19) VCF-style: chr2-48018227-G-A.
Other names: c.-315G>A (NM_001281493.2); c.-481G>A (NM_001281494.2); c.238-7523G>A (NM_001281492.2); short protein forms G141D.
Identifiers: ClinVar variation 1491786 (VCV001491786.13), dbSNP rs2104110549, ClinGen allele CA346737139.